The following is an entry in ClinVar:

NM_000143.4(FH):c.168C>T (p.Thr56=)

Gene: FH (fumarate hydratase; minus strand). Cytogenetic location: 1q43.
Variant type: single nucleotide variant.
Coding change: c.168C>T on transcript NM_000143.4 (MANE Select); coding-DNA position 168, C replaced by T.
Protein change: p.Thr56=; no amino-acid change (threonine 56 retained).
Molecular consequence: synonymous variant.
Genome position (GRCh38, 1-based): chr1:241,517,281, G>A on the plus strand (C>T on the coding strand, the complement: FH is on the minus strand). VCF-style: chr1-241517281-G-A. GRCh37 (hg19) VCF-style: chr1-241680581-G-A.
Identifiers: ClinVar variation 1128514 (VCV001128514.14), dbSNP rs574938106, ClinGen allele CA1478756.
Genomic context (GRCh38, chr1:241,517,281, plus strand): 5'-CGTAGATCTCACGGTCTGGGCGCCATAATACTTATCATTTGGCACCTTTAGTTCACCAAA[G>A]GTATCATATTCTATCCGGAAGGAATTTTGGCTTGCCTAAAGACAAGAATACAACACTATT-3'
Protein context (NP_000134.2, residues 46-66): SQNSFRIEYD[Thr56=]FGELKVPNDK

ClinVar aggregate classification (germline): Benign/Likely benign. Review status: criteria provided, multiple submitters, no conflicts (2 of 4 stars). 4 submissions from 4 submitters: Benign (1); Likely benign (2). 1 of the submissions does not count toward it. Last evaluated 2025-06-04.

Conditions:
Hereditary cancer-predisposing syndrome. Also called: Neoplastic Syndromes, Hereditary; Hereditary Cancer Syndrome; Hereditary neoplastic syndrome; Tumor predisposition. Identifiers: Orphanet 140162, MedGen C0027672, MeSH D009386, MONDO:0015356.
Hereditary leiomyomatosis and renal cell cancer. Also called: Reed syndrome; Multiple cutaneous and uterine leiomyomatosis; Cutaneous leiomyomata with uterine leiomyomata; Leiomyoma, hereditary multiple, of skin; Multiple cutaneous and uterine leiomyomata; Multiple cutaneous leiomyomas. Identifiers: Orphanet 523, MedGen C1708350, MONDO:0007888, OMIM 150800, HP:0007437. Disease mechanism: loss of function.

Allele frequency attached by ClinVar (database versions not stated): gnomAD 0.00001; 1000 Genomes Project 0.00040; 1000 Genomes Project 30x 0.00047; gnomAD exomes below 0.00001; TOPMed below 0.00001; ExAC 0.00001.
gnomAD v4.1: 3 of 1,614,004 alleles (0.00019%); highest among the groups gnomAD compares: African/African-American, 0.004%; no homozygotes.

Submissions (4):

Labcorp Genetics (formerly Invitae), Labcorp
Classification: Likely benign. Last evaluated: 2025-06-04. Review status: criteria provided, single submitter. Criteria: Invitae Variant Classification Sherloc (09022015). Collection method: clinical testing. Allele origin: germline.

Myriad Genetics, Inc.
Classification: Benign for Hereditary leiomyomatosis and renal cell cancer. Last evaluated: 2024-10-17. Review status: criteria provided, single submitter. Criteria: Myriad Autosomal Dominant, Autosomal Recessive and X-Linked Classification Criteria (2023). Collection method: clinical testing. Allele origin: unknown.
Comment: This variant is considered benign. This variant is a silent/synonymous amino acid change and it is not expected to impact splicing.

Ambry Genetics
Classification: Likely benign for Hereditary cancer-predisposing syndrome. Last evaluated: 2020-03-16. Review status: criteria provided, single submitter. Criteria: Ambry Variant Classification Scheme 2023. Collection method: clinical testing. Allele origin: germline.

Genetic Services Laboratory, University of Chicago
Classification: Likely benign. Last evaluated: 2022-09-16. Review status: no assertion criteria provided. Collection method: clinical testing. Allele origin: germline. Affected: no. Not counted in ClinVar's aggregate classification.